The following is an entry in ClinVar:

NM_004958.4(MTOR):c.396T>G (p.Arg132=)

Gene: MTOR (mechanistic target of rapamycin kinase; minus strand). Cytogenetic location: 1p36.22.
Variant type: single nucleotide variant.
Coding change: c.396T>G on transcript NM_004958.4 (MANE Select); coding-DNA position 396, T replaced by G.
Protein change: p.Arg132=; no amino-acid change (arginine 132 retained).
Molecular consequence: synonymous variant.
Genome position (GRCh38, 1-based): chr1:11,257,041, A>C on the plus strand (T>G on the coding strand, the complement: MTOR is on the minus strand). VCF-style: chr1-11257041-A-C. GRCh37 (hg19) VCF-style: chr1-11317098-A-C.
Identifiers: ClinVar variation 773978 (VCV000773978.9), dbSNP rs758828647, ClinGen allele CA590953.

ClinVar aggregate classification (germline): Likely benign. Review status: criteria provided, multiple submitters, no conflicts (2 of 4 stars). 2 submissions from 2 submitters: Likely benign (2). Last evaluated 2026-01-28.

Conditions:
MTOR-related disorder. Also called: MTOR-related condition.

Allele frequency attached by ClinVar (database versions not stated): ExAC 0.00001; gnomAD exomes 0.00001 and 0.00003; TOPMed 0.00001.
gnomAD v4.1: 8 of 1,614,172 alleles (0.0005%); highest among the groups gnomAD compares: Admixed American, 0.013%; no homozygotes.

Submissions (2):

Labcorp Genetics (formerly Invitae), Labcorp
Classification: Likely benign. Last evaluated: 2026-01-28. Review status: criteria provided, single submitter. Criteria: Invitae Variant Classification Sherloc (09022015). Collection method: clinical testing. Allele origin: germline.

PreventionGenetics, part of Exact Sciences
Classification: Likely benign for MTOR-related condition. Last evaluated: 2025-03-28. Review status: criteria provided, single submitter. Criteria: ACMG Guidelines, 2015. Collection method: clinical testing. Allele origin: germline.
Comment: This variant is classified as likely benign based on ACMG/AMP sequence variant interpretation guidelines (Richards et al. 2015 PMID: 25741868, with internal and published modifications).